The following is an entry in ClinVar:

NM_000038.6(APC):c.551T>C (p.Met184Thr)

Gene: APC (APC regulator of Wnt signaling pathway; plus strand). Cytogenetic location: 5q22.2.
Variant type: single nucleotide variant.
Coding change: c.551T>C on transcript NM_000038.6 (MANE Select); coding-DNA position 551, T replaced by C.
Protein change: p.Met184Thr; replaces methionine 184 with threonine.
Molecular consequence: missense variant. On other transcripts: 5 prime UTR variant (1).
Genome position (GRCh38, 1-based): chr5:112,780,809, T>C. VCF-style: chr5-112780809-T-C. GRCh37 (hg19) VCF-style: chr5-112116506-T-C.
Other names: c.374T>C, p.Met125Thr (NM_001354905.2, NM_001354900.2, NM_001354901.2); c.-485T>C (NM_001354906.2); c.551T>C, p.Met184Thr (NM_001127510.3, NM_001354895.2, NM_001354896.2 and 2 more transcripts); c.581T>C, p.Met194Thr (NM_001127511.3, NM_001354897.2, NM_001354902.2); c.476T>C, p.Met159Thr (NM_001354898.2, NM_001354904.2); short protein forms M184T, M194T, M159T, M125T.
Identifiers: ClinVar variation 490310 (VCV000490310.21), dbSNP rs1257143633, ClinGen allele CA16022537.

ClinVar aggregate classification (germline): Uncertain significance. Review status: criteria provided, multiple submitters, no conflicts (2 of 4 stars). 5 submissions from 5 submitters: Uncertain significance (5). Last evaluated 2025-02-02.

Conditions:
Familial adenomatous polyposis 1 (FAP1). Also called: POLYPOSIS, ADENOMATOUS INTESTINAL; FAMILIAL ADENOMATOUS POLYPOSIS 1, ATTENUATED. Identifiers: MedGen C2713442, MONDO:0021056, OMIM 175100. Disease mechanism: loss of function.
Classic or attenuated familial adenomatous polyposis. Identifiers: MedGen CN372698, MONDO:0021057.
Hereditary cancer-predisposing syndrome. Also called: Hereditary Cancer Syndrome; Neoplastic Syndromes, Hereditary; Tumor predisposition; Hereditary neoplastic syndrome. Identifiers: Orphanet 140162, MedGen C0027672, MeSH D009386, MONDO:0015356.

Allele frequency attached by ClinVar (database versions not stated): gnomAD exomes below 0.00001 and 0.00001.

Submissions (5):

GeneDx
Classification: Uncertain significance. Last evaluated: 2025-02-02. Review status: criteria provided, single submitter. Criteria: GeneDx Variant Classification Process June 2021. Collection method: clinical testing. Allele origin: germline. Affected: yes.
Comment: Not observed at significant frequency in large population cohorts (gnomAD); In silico analysis supports that this missense variant has a deleterious effect on protein structure/function; Has not been previously published as pathogenic or benign to our knowledge

All of Us Research Program, National Institutes of Health
Classification: Uncertain significance for Classic or attenuated familial adenomatous polyposis. Last evaluated: 2024-08-13. Review status: criteria provided, single submitter. Criteria: ACMG Guidelines, 2015. Collection method: clinical testing. Allele origin: germline. Inheritance: Autosomal dominant inheritance. Observed: 2 variant alleles, 2 heterozygotes.
Comment: This missense variant replaces methionine with threonine at codon 184 of the APC protein. Computational prediction is inconclusive regarding the impact of this variant on protein structure and function (internally defined REVEL score threshold 0.5 < inconclusive < 0.7, PMID: 27666373). To our knowledge, functional studies have not been reported for this variant. This variant has not been reported in individuals affected with APC-related disorders in the literature. This variant has been identified in 1/250532 chromosomes in the general population by the Genome Aggregation Database (gnomAD). The available evidence is insufficient to determine the role of this variant in disease conclusively. Therefore, this variant is classified as a Variant of Uncertain Significance.

This study involves interpretation of variants in research participants for the purpose of population health screening. Participant phenotype was not available at the time of variant classification. Additional details can be found in publication PMID: 35346344, PMCID: PMC8962531

Color Diagnostics, LLC DBA Color Health
Classification: Uncertain significance for Hereditary cancer-predisposing syndrome. Last evaluated: 2024-03-06. Review status: criteria provided, single submitter. Criteria: ACMG Guidelines, 2015. Collection method: clinical testing. Allele origin: germline.
Comment: This missense variant replaces methionine with threonine at codon 184 of the APC protein. Computational prediction is inconclusive regarding the impact of this variant on protein structure and function (internally defined REVEL score threshold 0.5 < inconclusive < 0.7, PMID: 27666373). To our knowledge, functional studies have not been reported for this variant. This variant has not been reported in individuals affected with APC-related disorders in the literature. This variant has been identified in 1/250532 chromosomes in the general population by the Genome Aggregation Database (gnomAD). The available evidence is insufficient to determine the role of this variant in disease conclusively. Therefore, this variant is classified as a Variant of Uncertain Significance.

Labcorp Genetics (formerly Invitae), Labcorp
Classification: Uncertain significance for Familial adenomatous polyposis 1. Last evaluated: 2024-03-04. Review status: criteria provided, single submitter. Criteria: Invitae Variant Classification Sherloc (09022015). Collection method: clinical testing. Allele origin: germline.
Comment: This sequence change replaces methionine, which is neutral and non-polar, with threonine, which is neutral and polar, at codon 184 of the APC protein (p.Met184Thr). This variant is present in population databases (no rsID available, gnomAD 0.003%). This variant has not been reported in the literature in individuals affected with APC-related conditions. ClinVar contains an entry for this variant (Variation ID: 490310). Advanced modeling of protein sequence and biophysical properties (such as structural, functional, and spatial information, amino acid conservation, physicochemical variation, residue mobility, and thermodynamic stability) performed at Invitae indicates that this missense variant is not expected to disrupt APC protein function with a negative predictive value of 95%. In summary, the available evidence is currently insufficient to determine the role of this variant in disease. Therefore, it has been classified as a Variant of Uncertain Significance.

Ambry Genetics
Classification: Uncertain significance for Hereditary cancer-predisposing syndrome. Last evaluated: 2023-10-25. Review status: criteria provided, single submitter. Criteria: Ambry Variant Classification Scheme 2023. Collection method: clinical testing. Allele origin: germline.
Comment: The p.M184T variant (also known as c.551T>C), located in coding exon 5 of the APC gene, results from a T to C substitution at nucleotide position 551. The methionine at codon 184 is replaced by threonine, an amino acid with similar properties. This amino acid position is highly conserved in available vertebrate species. In addition, in silico predictors for this gene do not accurately predict pathogenicity. Since supporting evidence is limited at this time, the clinical significance of this alteration remains unclear.